The following is an entry in ClinVar:

ClinVar aggregate classification (germline): Uncertain significance (1 of 4 stars; one submission).

Submission:

Ambry Genetics
Classification: Uncertain significance. Last evaluated: 2024-02-28. Review status: criteria provided, single submitter. Criteria: Ambry Variant Classification Scheme 2023. Collection method: clinical testing. Allele origin: germline.
Comment: The p.C2083S variant (also known as c.6248G>C), located in coding exon 20 of the POLQ gene, results from a G to C substitution at nucleotide position 6248. The cysteine at codon 2083 is replaced by serine, an amino acid with dissimilar properties. This amino acid position is conserved. In addition, this alteration is predicted to be tolerated by in silico analysis. Based on the available evidence, the clinical significance of this alteration remains unclear.

NM_199420.4(POLQ):c.6248G>C (p.Cys2083Ser)

Gene: POLQ (DNA polymerase theta; minus strand). Cytogenetic location: 3q13.33.
Variant type: single nucleotide variant.
Coding change: c.6248G>C on transcript NM_199420.4 (MANE Select); coding-DNA position 6248, G replaced by C.
Protein change: p.Cys2083Ser; replaces cysteine 2083 with serine.
Molecular consequence: missense variant.
Genome position (GRCh38, 1-based): chr3:121,476,697, C>G on the plus strand (G>C on the coding strand, the complement: POLQ is on the minus strand). VCF-style: chr3-121476697-C-G. GRCh37 (hg19) VCF-style: chr3-121195544-C-G.
Other names: short protein forms C2083S.
Identifiers: ClinVar variation 3230098 (VCV003230098.1), dbSNP rs2546777255, ClinGen allele CA354087119.